The following is an entry in ClinVar:

ClinVar aggregate classification (germline): Uncertain significance (1 of 4 stars; one submission).

Submission:

Labcorp Genetics (formerly Invitae), Labcorp
Classification: Uncertain significance. Last evaluated: 2025-07-14. Review status: criteria provided, single submitter. Criteria: Invitae Variant Classification Sherloc (09022015). Collection method: clinical testing. Allele origin: germline.
Comment: This sequence change replaces proline, which is neutral and non-polar, with serine, which is neutral and polar, at codon 306 of the IRF9 protein (p.Pro306Ser). This variant is not present in population databases (gnomAD no frequency). This variant has not been reported in the literature in individuals affected with IRF9-related conditions. An algorithm developed to predict the effect of missense changes on protein structure and function (PolyPhen-2) suggests that this variant is likely to be disruptive. In summary, the available evidence is currently insufficient to determine the role of this variant in disease. Therefore, it has been classified as a Variant of Uncertain Significance.

NM_006084.5(IRF9):c.916C>T (p.Pro306Ser)

Gene: IRF9 (interferon regulatory factor 9; plus strand). Cytogenetic location: 14q12.
Variant type: single nucleotide variant.
Coding change: c.916C>T on transcript NM_006084.5 (MANE Select); coding-DNA position 916, C replaced by T.
Protein change: p.Pro306Ser; replaces proline 306 with serine.
Molecular consequence: missense variant.
Genome position (GRCh38, 1-based): chr14:24,164,880, C>T. VCF-style: chr14-24164880-C-T. GRCh37 (hg19) VCF-style: chr14-24634089-C-T.
Other names: c.943C>T, p.Pro315Ser (NM_001385400.1, NM_001385401.1); c.653C>T, p.Ser218Phe (NM_001385402.1); short protein forms P315S, S218F, P306S.
Identifiers: ClinVar variation 4723212 (VCV004723212.1).